The following is an entry in ClinVar:

ClinVar aggregate classification (germline): Pathogenic (1 of 4 stars; one submission).

Conditions:
Hereditary breast ovarian cancer syndrome. Also called: BRCA1- and BRCA2-Associated Hereditary Breast and Ovarian Cancer; Hereditary breast and ovarian cancer syndrome (HBOC); Hereditary breast and ovarian cancer syndrome; Hereditary breast and ovarian cancer; Breast and ovarian cancer; Hereditary breast and/or ovarian cancer syndrome. Identifiers: Orphanet 145, MedGen C0677776, MeSH D061325, MONDO:0003582. Disease mechanism: loss of function.

Submission:

Labcorp Genetics (formerly Invitae), Labcorp
Classification: Pathogenic for Hereditary breast ovarian cancer syndrome. Last evaluated: 2022-06-09. Review status: criteria provided, single submitter. Criteria: Invitae Variant Classification Sherloc (09022015). Collection method: clinical testing. Allele origin: germline.
Comment: For these reasons, this variant has been classified as Pathogenic. This variant has not been reported in the literature in individuals affected with BRCA2-related conditions. This variant is not present in population databases (gnomAD no frequency). This sequence change creates a premature translational stop signal (p.Leu1686Ilefs*3) in the BRCA2 gene. It is expected to result in an absent or disrupted protein product. Loss-of-function variants in BRCA2 are known to be pathogenic (PMID: 20104584).

Literature cited by the submitters: PubMed 20104584.

NM_000059.4(BRCA2):c.5054dup (p.Leu1686fs)

Gene: BRCA2 (BRCA2 DNA repair associated; plus strand). Cytogenetic location: 13q13.1.
Variant type: Duplication.
Coding change: c.5054dup on transcript NM_000059.4 (MANE Select); coding-DNA position 5054, one base duplicated (C; older notation c.5054dupC).
Protein change: p.Leu1686fs; shifts the reading frame from leucine 1686.
Molecular consequence: frameshift variant.
Genome position (GRCh38, 1-based): chr13:32,339,409, C duplicated. VCF-style (leftmost placement, unchanged base first): chr13-32339408-T-TC. GRCh37 (hg19) VCF-style: chr13-32913545-T-TC.
Other names: short protein forms L1686fs.
Identifiers: ClinVar variation 1392183 (VCV001392183.6), dbSNP rs2137513496, ClinGen allele CA2573149318.